The following is an entry in ClinVar:

NM_024642.5(GALNT12):c.160C>T (p.Arg54Cys)

Gene: GALNT12 (polypeptide N-acetylgalactosaminyltransferase 12; plus strand). Cytogenetic location: 9q22.33.
Variant type: single nucleotide variant.
Coding change: c.160C>T on transcript NM_024642.5 (MANE Select); coding-DNA position 160, C replaced by T.
Protein change: p.Arg54Cys; replaces arginine 54 with cysteine.
Molecular consequence: missense variant.
Genome position (GRCh38, 1-based): chr9:98,807,858, C>T. VCF-style: chr9-98807858-C-T. GRCh37 (hg19) VCF-style: chr9-101570140-C-T.
Other names: short protein forms R54C.
Identifiers: ClinVar variation 2730566 (VCV002730566.3), dbSNP rs2490455416, ClinGen allele CA374222429.

ClinVar aggregate classification (germline): Uncertain significance (1 of 4 stars; one submission).

Submission:

Labcorp Genetics (formerly Invitae), Labcorp
Classification: Uncertain significance. Last evaluated: 2023-06-27. Review status: criteria provided, single submitter. Criteria: Invitae Variant Classification Sherloc (09022015). Collection method: clinical testing. Allele origin: germline.
Comment: In summary, the available evidence is currently insufficient to determine the role of this variant in disease. Therefore, it has been classified as a Variant of Uncertain Significance. Experimental studies and prediction algorithms are not available or were not evaluated, and the functional significance of this variant is currently unknown. This variant has not been reported in the literature in individuals affected with GALNT12-related conditions. The frequency data for this variant in the population databases is considered unreliable, as metrics indicate insufficient coverage at this position in the gnomAD database. This sequence change replaces arginine, which is basic and polar, with cysteine, which is neutral and slightly polar, at codon 54 of the GALNT12 protein (p.Arg54Cys).